The following is an entry in ClinVar:

NM_000875.5(IGF1R):c.4098CTG[1] (p.Cys1367del)

Gene: IGF1R (insulin like growth factor 1 receptor; plus strand). Cytogenetic location: 15q26.3.
Variant type: Microsatellite.
Coding change: c.4098CTG[1] on transcript NM_000875.5 (MANE Select); one copy of the 3-base unit CTG starting at c.4098; the reference has two copies in a row; one copy, 3 bases deleted.
Protein change: p.Cys1367del; deletes cysteine 1367.
Molecular consequence: inframe deletion.
Genome position (GRCh38, 1-based): chr15:98,957,439-98,957,441, CTG deleted; deleting any 3 consecutive bases within chr15:98,957,436-98,957,441 gives the same sequence; the position shown is the placement nearest the transcript's 3' end. VCF-style (leftmost placement, unchanged base first): chr15-98957435-CCTG-C. GRCh37 (hg19) VCF-style: chr15-99500664-CCTG-C.
Other names: c.4095CTG[1], p.Cys1366del (NM_001291858.2); short protein forms C1366del, C1367del.
Identifiers: ClinVar variation 2504327 (VCV002504327.1), dbSNP rs759953504, ClinGen allele CA7752897.

ClinVar aggregate classification (germline): Uncertain significance (1 of 4 stars; one submission).

Submission:

GeneDx
Classification: Uncertain significance. Last evaluated: 2022-12-01. Review status: criteria provided, single submitter. Criteria: GeneDx Variant Classification Process June 2021. Collection method: clinical testing. Allele origin: germline. Affected: yes.
Comment: Nonsense variant predicted to result in protein truncation as the last 1 amino acid is lost, although loss-of-function variants have not been reported downstream of this position in the protein; Not observed at significant frequency in large population cohorts (gnomAD); Has not been previously published as pathogenic or benign to our knowledge